The following is an entry in ClinVar:

ClinVar aggregate classification (germline): Benign (1 of 4 stars; one submission).

Allele frequency attached by ClinVar (database versions not stated): ExAC 0.00423; gnomAD exomes 0.00423; 1000 Genomes Project 30x 0.00484; 1000 Genomes Project 0.00499; TOPMed 0.00264; gnomAD 0.00295; ESP Exome Variant Server 0.00315.
gnomAD v4.1: 6,613 of 1,613,556 alleles (0.41%); highest among the groups gnomAD compares: South Asian, 1.5%; 36 homozygotes.

Submission:

CeGaT Center for Human Genetics Tuebingen
Classification: Benign. Last evaluated: 2024-06-01. Review status: criteria provided, single submitter. Criteria: CeGaT Center For Human Genetics Tuebingen Variant Classification Criteria Version 2. Collection method: clinical testing. Allele origin: germline. Affected: yes. Observed: 20 variant alleles.
Comment: ATN1: BP4, BP7, BS1, BS2

NM_001940.4(ATN1):c.1101A>G (p.Pro367=)

Gene: ATN1 (atrophin 1; plus strand). Cytogenetic location: 12p13.31.
Variant type: single nucleotide variant.
Coding change: c.1101A>G on transcript NM_001940.4 (MANE Select); coding-DNA position 1101, A replaced by G.
Protein change: p.Pro367=; no amino-acid change (proline 367 retained).
Molecular consequence: synonymous variant.
Genome position (GRCh38, 1-based): chr12:6,936,368, A>G. VCF-style: chr12-6936368-A-G. GRCh37 (hg19) VCF-style: chr12-7045531-A-G.
Other names: c.1101A>G, p.Pro367= (NM_001007026.2).
Identifiers: ClinVar variation 2570817 (VCV002570817.27), dbSNP rs138480639, ClinGen allele CA6420510.
Genomic context (GRCh38, chr12:6,936,368, plus strand): 5'-GAAGGGCCCAACTCTGGCTCCTTCACCCCACTCTCTGCCTCCTGCTTCCTCTTCTGCTCC[A>G]GCGCCCCCCATGAGGTTTCCTTATTCATCCTCTAGTAGTAGCTCTGCAGCAGCCTCCTCT-3'
Protein context (NP_001931.2, residues 357-377): HSLPPASSSA[Pro367=]APPMRFPYSS